The following is an entry in ClinVar:

NM_025074.7(FRAS1):c.6932C>T (p.Ser2311Leu)

Gene: FRAS1 (Fraser extracellular matrix complex subunit 1; plus strand). Cytogenetic location: 4q21.21.
Variant type: single nucleotide variant.
Coding change: c.6932C>T on transcript NM_025074.7 (MANE Select); coding-DNA position 6932, C replaced by T.
Protein change: p.Ser2311Leu; replaces serine 2311 with leucine.
Molecular consequence: missense variant.
Genome position (GRCh38, 1-based): chr4:78,464,486, C>T. VCF-style: chr4-78464486-C-T. GRCh37 (hg19) VCF-style: chr4-79385640-C-T.
Other names: short protein forms S2311L.
Identifiers: ClinVar variation 349745 (VCV000349745.10), dbSNP rs202092409, ClinGen allele CA2977936.
Genomic context (GRCh38, chr4:78,464,486, plus strand): 5'-CTTTCCTGCCATTCTAGGTGACTCAGACTTTCCATATCACTCTTCACCCTGTCGATGATT[C>T]GCTGCCCGTCGTACAGAACTTAGGAATGCGGGTGCAGGAGGGCATGAGGAAGACCATCAC-3'
Protein context (NP_079350.5, residues 2301-2321): FHITLHPVDD[Ser2311Leu]LPVVQNLGMR

ClinVar aggregate classification (germline): Conflicting classifications of pathogenicity. Review status: criteria provided, conflicting classifications (1 of 4 stars). 5 submissions from 5 submitters: Uncertain significance (4); Likely benign (1). Last evaluated 2025-10-01.

Conditions:
Inborn genetic diseases. Identifiers: MedGen C0950123, MeSH D030342.
Fraser syndrome 1 (FRASRS1). Also called: CRYPTOPHTHALMOS WITH OTHER MALFORMATIONS. Identifiers: Orphanet 2052, MedGen C4551480, MONDO:0054737, OMIM 219000.

Allele frequency attached by ClinVar (database versions not stated): ESP Exome Variant Server 0.00008; ExAC 0.00020; TOPMed 0.00020; gnomAD 0.00021 and 0.00022; gnomAD exomes 0.00024 and 0.00040.
gnomAD v4.1: 600 of 1,613,846 alleles (0.037%); highest among the groups gnomAD compares: Non-Finnish European, 0.048%; 1 homozygote.

Submissions (5):

Women's Health and Genetics/Laboratory Corporation of America, LabCorp
Classification: Uncertain significance. Last evaluated: 2025-10-01. Review status: criteria provided, single submitter. Criteria: LabCorp Variant Classification Summary - May 2015. Collection method: clinical testing. Allele origin: germline.
Comment: Variant summary: FRAS1 c.6932C>T (p.Ser2311Leu) results in a non-conservative amino acid change in the encoded protein sequence. Algorithms developed to predict the effect of missense changes on protein structure and function are either unavailable or do not agree on the potential impact of this missense change. The variant allele was found at a frequency of 0.00024 in 248856 control chromosomes. This frequency is not significantly higher than estimated for disease-causing variants in FRAS1, allowing no conclusion about variant significance. To our knowledge, no occurrence of c.6932C>T in individuals affected with FRAS1-related conditions and no experimental evidence demonstrating its impact on protein function have been reported. ClinVar contains an entry for this variant (Variation ID: 349745). Based on the evidence outlined above, the variant was classified as uncertain significance.

Fulgent Genetics
Classification: Uncertain significance for Fraser syndrome 1. Last evaluated: 2024-01-30. Review status: criteria provided, single submitter. Criteria: ACMG Guidelines, 2015. Collection method: clinical testing. Allele origin: germline.

Ambry Genetics
Classification: Likely benign for Inborn genetic diseases. Last evaluated: 2023-07-11. Review status: criteria provided, single submitter. Criteria: Ambry Variant Classification Scheme 2023. Collection method: clinical testing. Allele origin: germline.

Labcorp Genetics (formerly Invitae), Labcorp
Classification: Uncertain significance. Last evaluated: 2022-03-04. Review status: criteria provided, single submitter. Criteria: Invitae Variant Classification Sherloc (09022015). Collection method: clinical testing. Allele origin: germline.
Comment: This sequence change replaces serine, which is neutral and polar, with leucine, which is neutral and non-polar, at codon 2311 of the FRAS1 protein (p.Ser2311Leu). This variant is present in population databases (rs202092409, gnomAD 0.04%). This variant has not been reported in the literature in individuals affected with FRAS1-related conditions. ClinVar contains an entry for this variant (Variation ID: 349745). Algorithms developed to predict the effect of missense changes on protein structure and function output the following: SIFT: "Tolerated"; PolyPhen-2: "Benign"; Align-GVGD: "Class C0". The leucine amino acid residue is found in multiple mammalian species, which suggests that this missense change does not adversely affect protein function. In summary, the available evidence is currently insufficient to determine the role of this variant in disease. Therefore, it has been classified as a Variant of Uncertain Significance.

Illumina Laboratory Services, Illumina
Classification: Uncertain significance for Fraser syndrome 1. Last evaluated: 2018-01-13. Review status: criteria provided, single submitter. Criteria: ICSL Variant Classification Criteria 13 December 2019. Collection method: clinical testing. Allele origin: germline.